The following is an entry in ClinVar:

NM_004204.5(PIGQ):c.1036C>G (p.Arg346Gly)

Gene: PIGQ (phosphatidylinositol glycan anchor biosynthesis class Q; plus strand). Cytogenetic location: 16p13.3.
Variant type: single nucleotide variant.
Coding change: c.1036C>G on transcript NM_004204.5 (MANE Select); coding-DNA position 1036, C replaced by G.
Protein change: p.Arg346Gly; replaces arginine 346 with glycine.
Molecular consequence: missense variant.
Genome position (GRCh38, 1-based): chr16:578,472, C>G. VCF-style: chr16-578472-C-G. GRCh37 (hg19) VCF-style: chr16-628472-C-G.
Other names: c.1036C>G, p.Arg346Gly (NM_148920.4); c.1036C>G (NM_148920.1); short protein forms R346G.
Identifiers: ClinVar variation 1314074 (VCV001314074.7), dbSNP rs767160386, ClinGen allele CA7780081.

ClinVar aggregate classification (germline): Uncertain significance. Review status: criteria provided, multiple submitters, no conflicts (2 of 4 stars). 4 submissions from 4 submitters: Uncertain significance (4). Last evaluated 2025-05-26.

Conditions:
Epilepsy. Also called: Seizure disorder. Identifiers: MedGen C0014544, MeSH D004827, MONDO:0005027.
Inborn genetic diseases. Identifiers: MedGen C0950123, MeSH D030342.

Allele frequency attached by ClinVar (database versions not stated): ExAC 0.00001; gnomAD exomes 0.00001; gnomAD 0.00002.
gnomAD v4.1: 15 of 1,612,542 alleles (0.00093%); highest among the groups gnomAD compares: Non-Finnish European, 0.0013%; no homozygotes.

Submissions (4):

Ambry Genetics
Classification: Uncertain significance for Inborn genetic diseases. Last evaluated: 2025-05-26. Review status: criteria provided, single submitter. Criteria: Ambry Variant Classification Scheme 2023. Collection method: clinical testing. Allele origin: germline.

Blueprint Genetics
Classification: Uncertain significance. Last evaluated: 2024-06-27. Review status: criteria provided, single submitter. Criteria: ACMG Guidelines, 2015. Collection method: clinical testing. Allele origin: germline.

Labcorp Genetics (formerly Invitae), Labcorp
Classification: Uncertain significance for Epilepsy. Last evaluated: 2023-11-19. Review status: criteria provided, single submitter. Criteria: Invitae Variant Classification Sherloc (09022015). Collection method: clinical testing. Allele origin: germline.
Comment: This sequence change replaces arginine, which is basic and polar, with glycine, which is neutral and non-polar, at codon 346 of the PIGQ protein (p.Arg346Gly). This variant is present in population databases (rs767160386, gnomAD 0.002%). This variant has not been reported in the literature in individuals affected with PIGQ-related conditions. ClinVar contains an entry for this variant (Variation ID: 1314074). An algorithm developed to predict the effect of missense changes on protein structure and function (PolyPhen-2) suggests that this variant is likely to be tolerated. In summary, the available evidence is currently insufficient to determine the role of this variant in disease. Therefore, it has been classified as a Variant of Uncertain Significance.

GeneDx
Classification: Uncertain significance. Last evaluated: 2021-08-04. Review status: criteria provided, single submitter. Criteria: GeneDx Variant Classification Process June 2021. Collection method: clinical testing. Allele origin: germline. Affected: yes.
Comment: Not observed at a significant frequency in large population cohorts (Lek et al., 2016); In silico analysis supports that this missense variant does not alter protein structure/function; Has not been previously published as pathogenic or benign to our knowledge